The following is an entry in ClinVar:

NM_001849.4(COL6A2):c.1465C>T (p.Arg489Trp)

Gene: COL6A2 (collagen type VI alpha 2 chain; plus strand). Cytogenetic location: 21q22.3.
Variant type: single nucleotide variant.
Coding change: c.1465C>T on transcript NM_001849.4 (MANE Select); coding-DNA position 1465, C replaced by T.
Protein change: p.Arg489Trp; replaces arginine 489 with tryptophan.
Molecular consequence: missense variant.
Genome position (GRCh38, 1-based): chr21:46,121,562, C>T. VCF-style: chr21-46121562-C-T. GRCh37 (hg19) VCF-style: chr21-47541476-C-T.
Other names: c.1465C>T, p.Arg489Trp (NM_058174.3, NM_058175.3); short protein forms R489W.
Identifiers: ClinVar variation 162534 (VCV000162534.19), dbSNP rs727502829, ClinGen allele CA295270.

ClinVar aggregate classification (germline): Conflicting classifications of pathogenicity. Review status: criteria provided, conflicting classifications (1 of 4 stars). 7 submissions from 7 submitters: Uncertain significance (6); Likely benign (1). Last evaluated 2025-10-06.

Conditions:
Inborn genetic diseases. Identifiers: MedGen C0950123, MeSH D030342.
Collagen 6-related myopathy. Identifiers: MedGen CN117976, MONDO:0100225.
Bethlem myopathy 1A. Also called: Bethlem Muscular Dystrophy; MYOPATHY, BENIGN CONGENITAL, WITH CONTRACTURES; Bethlem myopathy 1. Identifiers: Orphanet 610, MedGen CN029274, MONDO:0024530, OMIM 158810.
Ullrich congenital muscular dystrophy 1A. Also called: Intermediate COL6-RD; Ullrich congenital muscular dystrophy 1. Identifiers: Orphanet 75840, MedGen C0410179, MONDO:0009681, OMIM 254090.

Allele frequency attached by ClinVar (database versions not stated): ExAC 0.00002; gnomAD exomes 0.00002 and 0.00003; TOPMed 0.00002; gnomAD 0.00004 and 0.00005.
gnomAD v4.1: 51 of 1,612,818 alleles (0.0032%); highest among the groups gnomAD compares: Middle Eastern, 0.26%; 1 homozygote.

Submissions (7):

Labcorp Genetics (formerly Invitae), Labcorp
Classification: Uncertain significance for Bethlem myopathy 1A. Last evaluated: 2025-10-06. Review status: criteria provided, single submitter. Criteria: Invitae Variant Classification Sherloc (09022015). Collection method: clinical testing. Allele origin: germline.
Comment: This sequence change replaces arginine, which is basic and polar, with tryptophan, which is neutral and slightly polar, at codon 489 of the COL6A2 protein (p.Arg489Trp). This variant is present in population databases (rs727502829, gnomAD 0.003%). This variant has not been reported in the literature in individuals affected with COL6A2-related conditions. ClinVar contains an entry for this variant (Variation ID: 162534). Invitae Evidence Modeling of protein sequence and biophysical properties (such as structural, functional, and spatial information, amino acid conservation, physicochemical variation, residue mobility, and thermodynamic stability) has been performed for this missense variant. However, the output from this modeling did not meet the statistical confidence thresholds required to predict the impact of this variant on COL6A2 protein function. In summary, the available evidence is currently insufficient to determine the role of this variant in disease. Therefore, it has been classified as a Variant of Uncertain Significance.

Ambry Genetics
Classification: Uncertain significance for Inborn genetic diseases. Last evaluated: 2025-03-07. Review status: criteria provided, single submitter. Criteria: Ambry Variant Classification Scheme 2023. Collection method: clinical testing. Allele origin: germline.

GeneDx
Classification: Uncertain significance. Last evaluated: 2023-11-06. Review status: criteria provided, single submitter. Criteria: GeneDx Variant Classification Process June 2021. Collection method: clinical testing. Allele origin: germline. Affected: yes.
Comment: In silico analysis supports that this missense variant has a deleterious effect on protein structure/function; Has not been previously published as pathogenic or benign to our knowledge

Revvity Omics, Revvity
Classification: Uncertain significance. Last evaluated: 2020-12-15. Review status: criteria provided, single submitter. Criteria: ACMG Guidelines, 2015. Collection method: clinical testing. Allele origin: germline.

Baylor Genetics
Classification: Uncertain significance for Ullrich congenital muscular dystrophy 1A. Last evaluated: 2020-05-05. Review status: criteria provided, single submitter. Criteria: ACMG Guidelines, 2015. Collection method: clinical testing. Allele origin: unknown. Affected: yes.
Comment: This variant was determined to be of uncertain significance according to ACMG Guidelines, 2015 [PMID:25741868].

Eurofins Ntd Llc (ga)
Classification: Uncertain significance. Last evaluated: 2018-09-12. Review status: criteria provided, single submitter. Criteria: EGL ClinVar v180209 classification definitions. Collection method: clinical testing. Allele origin: germline. Observed: 1 variant allele, 1 heterozygote.

Illumina Laboratory Services, Illumina
Classification: Likely benign for Collagen VI-related myopathy. Last evaluated: 2017-05-30. Review status: criteria provided, single submitter. Criteria: ICSL Variant Classification Criteria 13 December 2019. Collection method: clinical testing. Allele origin: germline.
Comment: This variant was observed as part of a predisposition screen in an ostensibly healthy population. A literature search was performed for the gene, cDNA change, and amino acid change (where applicable). No publications were found based on this search. Allele frequency data from public databases allowed determination this variant is unlikely to cause disease. Therefore, this variant is classified as likely benign.